The following is an entry in ClinVar:

NM_024665.7(TBL1XR1):c.58+2T>C

Gene: TBL1XR1 (TBL1X/Y related 1; minus strand). Cytogenetic location: 3q26.32.
Variant type: single nucleotide variant.
Coding change: c.58+2T>C on transcript NM_024665.7 (MANE Select); the canonical splice donor site of the intron after coding-DNA position 58, T replaced by C.
Molecular consequence: splice donor variant. On other transcripts: intron variant (2).
Genome position (GRCh38, 1-based): chr3:177,064,918, A>G on the plus strand (T>C on the coding strand, the complement: TBL1XR1 is on the minus strand). VCF-style: chr3-177064918-A-G. GRCh37 (hg19) VCF-style: chr3-176782706-A-G.
Other names: c.58+2T>C (NM_001321194.3, NM_001321193.3, NM_001374328.1 and 2 more transcripts); c.-203-11000T>C (NM_001321195.3, NM_001374330.1).
Identifiers: ClinVar variation 1327306 (VCV001327306.4), dbSNP rs2108539830, ClinGen allele CA355554879.

ClinVar aggregate classification (germline): Pathogenic (1 of 4 stars; one submission).

Conditions:
TBL1XR1-related disorder. Also called: TBL1XR1-related condition; TBL1XR1-related disorders. Identifiers: MedGen CN382633, MONDO:1060313.

Submission:

GeneDx
Classification: Pathogenic. Last evaluated: 2021-11-24. Review status: criteria provided, single submitter. Criteria: GeneDx Variant Classification Process June 2021. Collection method: clinical testing. Allele origin: germline. Affected: yes.
Comment: Has not been previously published as pathogenic or benign to our knowledge; Not observed in large population cohorts (Lek et al., 2016); Canonical splice site variant predicted to result in a null allele in a gene for which loss-of-function is a known mechanism of disease